The following is an entry in ClinVar:

NM_017547.4(FOXRED1):c.733+1G>A

Gene: FOXRED1 (FAD dependent oxidoreductase domain containing 1; plus strand). Cytogenetic location: 11q24.2.
Variant type: single nucleotide variant.
Coding change: c.733+1G>A on transcript NM_017547.4 (MANE Select); the canonical splice donor site of the intron after coding-DNA position 733, G replaced by A.
Molecular consequence: splice donor variant.
Genome position (GRCh38, 1-based): chr11:126,275,429, G>A. VCF-style: chr11-126275429-G-A. GRCh37 (hg19) VCF-style: chr11-126145324-G-A.
Identifiers: ClinVar variation 1705022 (VCV001705022.10), dbSNP rs754952690, ClinGen allele CA6354181.

ClinVar aggregate classification (germline): Pathogenic/Likely pathogenic. Review status: criteria provided, multiple submitters, no conflicts (2 of 4 stars). 7 submissions from 7 submitters: Pathogenic (4); Likely pathogenic (3). Last evaluated 2024-09-24.

Conditions:
Mitochondrial complex I deficiency, nuclear type 19. Also called: Mitochondrial complex 1 deficiency, nuclear type 19. Identifiers: MedGen C4748791, MONDO:0032624, OMIM 618241.
FOXRED1-related disorders.

Allele frequency attached by ClinVar (database versions not stated): TOPMed 0.00002; gnomAD 0.00003; ExAC 0.00005.
gnomAD v4.1: 39 of 1,596,840 alleles (0.0024%); highest among the groups gnomAD compares: South Asian, 0.034%; no homozygotes.

Submissions (7):

Blueprint Genetics
Classification: Likely pathogenic for FOXRED1-related disorders. Last evaluated: 2024-09-24. Review status: criteria provided, single submitter. Criteria: ACMG Guidelines, 2015. Collection method: clinical testing. Allele origin: germline. Affected: yes. Observed: 4 variant alleles.

Fulgent Genetics
Classification: Pathogenic for Mitochondrial complex I deficiency, nuclear type 19. Last evaluated: 2024-05-22. Review status: criteria provided, single submitter. Criteria: ACMG Guidelines, 2015. Collection method: clinical testing. Allele origin: germline.

Genomic Medicine Center of Excellence, King Faisal Specialist Hospital and Research Centre
Classification: Pathogenic for Mitochondrial complex I deficiency, nuclear type 19. Last evaluated: 2024-04-04. Review status: criteria provided, single submitter. Criteria: ACMG Guidelines, 2015. Collection method: clinical testing. Allele origin: germline.

Labcorp Genetics (formerly Invitae), Labcorp
Classification: Pathogenic. Last evaluated: 2023-05-16. Review status: criteria provided, single submitter. Criteria: Invitae Variant Classification Sherloc (09022015). Collection method: clinical testing. Allele origin: germline.
Comment: For these reasons, this variant has been classified as Pathogenic. Algorithms developed to predict the effect of sequence changes on RNA splicing suggest that this variant may disrupt the consensus splice site. ClinVar contains an entry for this variant (Variation ID: 1705022). Disruption of this splice site has been observed in individual(s) with mitochondrial complex I deficiency (PMID: 31434271). In at least one individual the data is consistent with being in trans (on the opposite chromosome) from a pathogenic variant. This variant is present in population databases (rs754952690, gnomAD 0.03%). This sequence change affects a donor splice site in intron 6 of the FOXRED1 gene. It is expected to disrupt RNA splicing. Variants that disrupt the donor or acceptor splice site typically lead to a loss of protein function (PMID: 16199547), and loss-of-function variants in FOXRED1 are known to be pathogenic (PMID: 20818383, 20858599).

Women's Health and Genetics/Laboratory Corporation of America, LabCorp
Classification: Likely pathogenic for Mitochondrial complex I deficiency, nuclear type 19. Last evaluated: 2022-11-10. Review status: criteria provided, single submitter. Criteria: LabCorp Variant Classification Summary - May 2015. Collection method: clinical testing. Allele origin: germline.
Comment: Variant summary: FOXRED1 c.733+1G>A is located in a canonical splice-site and is predicted to affect mRNA splicing resulting in a significantly altered protein due to either exon skipping, shortening, or inclusion of intronic material. Several computational tools predict a significant impact on normal splicing: Four predict the variant abolishes a canonical 5' splicing donor site. However, these predictions have yet to be confirmed by functional studies. The variant allele was found at a frequency of 4e-05 in 250948 control chromosomes. This frequency is not significantly higher than expected for a pathogenic variant in FOXRED1 causing Mitochondrial Complex 1 Deficiency, Nuclear Type 19, allowing no conclusion about variant significance. c.733+1G>A has been reported in the literature in a family affected with Mitochondrial Complex 1 Deficiency (Barbosa-Gouveia_2019), and these affected individuals were reported as compound heterozygous with another possibly pathogenic variant. These data indicate that the variant may be associated with disease. To our knowledge, no experimental evidence demonstrating an impact on protein function has been reported. One clinical diagnostic laboratory has submitted clinical-significance assessments for this variant to ClinVar after 2014 without evidence for independent evaluation, classifying the variant as pathogenic. Based on the evidence outlined above, the variant was classified as likely pathogenic.

Diagnostic and Treatment Unit for Congenital Metabolic Diseases, Hopital Clínico Universitario de Santiago de Compostela (CHUS)
Classification: Pathogenic for Mitochondrial complex I deficiency, nuclear type 19. Last evaluated: 2019-08-31. Review status: criteria provided, single submitter. Criteria: ACMG Guidelines, 2015. Collection method: clinical testing, in vitro. Allele origin: maternal, not applicable. Affected: yes. Observed: 1 compound heterozygote. Segregation with disease observed.

Juno Genomics, Hangzhou Juno Genomics, Inc
Classification: Likely pathogenic for Mitochondrial complex I deficiency, nuclear type 19. Review status: criteria provided, single submitter. Criteria: ACMG Guidelines, 2015. Collection method: clinical testing. Allele origin: germline.
Comment: Absent from controls (or at extremely low frequency if recessive) in Genome Aggregation Database.;Null variant in a gene where loss of function (LOF) is a known mechanism of disease.;For recessive disorders, detected in trans with a pathogenic variant.;Co-segregation with disease in multiple affected family members.

Literature cited by the submitters: PubMed 31434271 (cited by Labcorp Genetics (formerly Invitae), Labcorp and Women's Health and Genetics/Laboratory Corporation of America, LabCorp); PubMed 16199547 (cited by Labcorp Genetics (formerly Invitae), Labcorp); PubMed 20818383 (cited by Labcorp Genetics (formerly Invitae), Labcorp); PubMed 20858599 (cited by Labcorp Genetics (formerly Invitae), Labcorp); PubMed 35628876 (cited by Diagnostic and Treatment Unit for Congenital Metabolic Diseases, Hopital Clínico Universitario de Santiago de Compostela (CHUS)).